The following is an entry in ClinVar:

ClinVar aggregate classification (germline): Uncertain significance (1 of 4 stars; one submission).

Conditions:
Autosomal recessive ataxia, Beauce type. Also called: ATAXIA, RECESSIVE, OF BEAUCE; Spinocerebellar ataxia, autosomal recessive 8; SYNE1-Related Autosomal Recessive Cerebellar Ataxia; SYNE1 Deficiency. Identifiers: Orphanet 88644, MedGen C1853116, MONDO:0012549, OMIM 610743.
Emery-Dreifuss muscular dystrophy 4, autosomal dominant (EDMD4). Also called: EMERY-DREIFUSS MUSCULAR DYSTROPHY 4 WITH VARIABLE FEATURES. Identifiers: Orphanet 261, MedGen C2751807, MONDO:0013071, OMIM 612998.

Allele frequency attached by ClinVar (database versions not stated): gnomAD exomes 0.00001; ExAC 0.00002; gnomAD 0.00002; TOPMed 0.00002; ESP Exome Variant Server 0.00008.
gnomAD v4.1: 6 of 1,613,096 alleles (0.00037%); highest among the groups gnomAD compares: African/African-American, 0.008%; no homozygotes.

Submission:

Labcorp Genetics (formerly Invitae), Labcorp
Classification: Uncertain significance for Emery-Dreifuss muscular dystrophy 4, autosomal dominant; Autosomal recessive ataxia, Beauce type. Last evaluated: 2020-05-29. Review status: criteria provided, single submitter. Criteria: Invitae Variant Classification Sherloc (09022015). Collection method: clinical testing. Allele origin: germline.
Comment: This variant is present in population databases (rs147858920, ExAC 0.03%). In summary, the available evidence is currently insufficient to determine the role of this variant in disease. Therefore, it has been classified as a Variant of Uncertain Significance. Algorithms developed to predict the effect of missense changes on protein structure and function are either unavailable or do not agree on the potential impact of this missense change (SIFT: "Deleterious"; PolyPhen-2: "Probably Damaging"; Align-GVGD: "Class C15"). This variant has not been reported in the literature in individuals with SYNE1-related conditions. This sequence change replaces histidine with glutamine at codon 5687 of the SYNE1 protein (p.His5687Gln). The histidine residue is highly conserved and there is a small physicochemical difference between histidine and glutamine.

NM_182961.4(SYNE1):c.17274C>A (p.His5758Gln)

Gene: SYNE1 (spectrin repeat containing nuclear envelope protein 1; minus strand). Cytogenetic location: 6q25.2.
Variant type: single nucleotide variant.
Coding change: c.17274C>A on transcript NM_182961.4 (MANE Select); coding-DNA position 17274, C replaced by A.
Protein change: p.His5758Gln; replaces histidine 5758 with glutamine.
Molecular consequence: missense variant.
Genome position (GRCh38, 1-based): chr6:152,308,561, G>T on the plus strand (C>A on the coding strand, the complement: SYNE1 is on the minus strand). VCF-style: chr6-152308561-G-T. GRCh37 (hg19) VCF-style: chr6-152629696-G-T.
Other names: c.17061C>A, p.His5687Gln (NM_033071.5); short protein forms H5687Q, H5758Q.
Identifiers: ClinVar variation 1019263 (VCV001019263.9), dbSNP rs147858920, ClinGen allele CA4055277.